The following is an entry in ClinVar:

NM_000039.3(APOA1):c.448C>A (p.Leu150Ile)

Genes: APOA1 (apolipoprotein A1; minus strand), APOA1-AS (APOA1 antisense RNA; plus strand). Cytogenetic location: 11q23.3.
Variant type: single nucleotide variant.
Coding change: c.448C>A on transcript NM_000039.3 (MANE Select); coding-DNA position 448, C replaced by A.
Protein change: p.Leu150Ile; replaces leucine 150 with isoleucine.
Molecular consequence: missense variant. On other transcripts: non-coding transcript variant (1).
Genome position (GRCh38, 1-based): chr11:116,836,164, G>T on the plus strand (C>A on the coding strand, the complement: APOA1 is on the minus strand). VCF-style: chr11-116836164-G-T. GRCh37 (hg19) VCF-style: chr11-116706880-G-T.
Other names: c.448C>A, p.Leu150Ile (NM_001318017.2, NM_001318018.2); c.121C>A, p.Leu41Ile (NM_001318021.2); short protein forms L150I, L41I.
Identifiers: ClinVar variation 1498557 (VCV001498557.9), dbSNP rs911528468, ClinGen allele CA229324297.

ClinVar aggregate classification (germline): Uncertain significance. Review status: criteria provided, multiple submitters, no conflicts (2 of 4 stars). 2 submissions from 2 submitters: Uncertain significance (2). Last evaluated 2025-02-15.

Conditions:
Cardiovascular phenotype. Identifiers: MedGen CN230736.

Allele frequency attached by ClinVar (database versions not stated): gnomAD exomes 0.00001 and 0.00002; gnomAD 0.00006 and 0.00009; TOPMed 0.00008.

Submissions (2):

Labcorp Genetics (formerly Invitae), Labcorp
Classification: Uncertain significance. Last evaluated: 2025-02-15. Review status: criteria provided, single submitter. Criteria: Invitae Variant Classification Sherloc (09022015). Collection method: clinical testing. Allele origin: germline.
Comment: This sequence change replaces leucine, which is neutral and non-polar, with isoleucine, which is neutral and non-polar, at codon 150 of the APOA1 protein (p.Leu150Ile). This variant is present in population databases (no rsID available, gnomAD 0.03%). This variant has not been reported in the literature in individuals affected with APOA1-related conditions. ClinVar contains an entry for this variant (Variation ID: 1498557). Invitae Evidence Modeling of protein sequence and biophysical properties (such as structural, functional, and spatial information, amino acid conservation, physicochemical variation, residue mobility, and thermodynamic stability) has been performed for this missense variant. However, the output from this modeling did not meet the statistical confidence thresholds required to predict the impact of this variant on APOA1 protein function. In summary, the available evidence is currently insufficient to determine the role of this variant in disease. Therefore, it has been classified as a Variant of Uncertain Significance.

Ambry Genetics
Classification: Uncertain significance for Cardiovascular phenotype. Last evaluated: 2024-10-16. Review status: criteria provided, single submitter. Criteria: Ambry Variant Classification Scheme 2023. Collection method: clinical testing. Allele origin: germline.